The following is an entry in ClinVar:

NM_000545.8(HNF1A):c.4G>A (p.Val2Ile)

Gene: HNF1A (HNF1 homeobox A; plus strand). Cytogenetic location: 12q24.31.
Variant type: single nucleotide variant.
Coding change: c.4G>A on transcript NM_000545.8 (MANE Select); coding-DNA position 4, G replaced by A.
Protein change: p.Val2Ile; replaces valine 2 with isoleucine.
Molecular consequence: missense variant.
Genome position (GRCh38, 1-based): chr12:120,978,772, G>A. VCF-style: chr12-120978772-G-A. GRCh37 (hg19) VCF-style: chr12-121416575-G-A.
Other names: c.4G>A, p.Val2Ile (NM_001306179.2); short protein forms V2I.
Identifiers: ClinVar variation 1475317 (VCV001475317.8), dbSNP rs1876080206, ClinGen allele CA386952032.

ClinVar aggregate classification (germline): Uncertain significance (1 of 4 stars; one submission).

Submission:

Labcorp Genetics (formerly Invitae), Labcorp
Classification: Uncertain significance. Last evaluated: 2021-06-01. Review status: criteria provided, single submitter. Criteria: Invitae Variant Classification Sherloc (09022015). Collection method: clinical testing. Allele origin: germline.
Comment: This sequence change replaces valine with isoleucine at codon 2 of the HNF1A protein (p.Val2Ile). The valine residue is moderately conserved and there is a small physicochemical difference between valine and isoleucine. This variant is not present in population databases (ExAC no frequency). This variant has not been reported in the literature in individuals with HNF1A-related conditions. Advanced modeling of protein sequence and biophysical properties (such as structural, functional, and spatial information, amino acid conservation, physicochemical variation, residue mobility, and thermodynamic stability) performed at Invitae indicates that this missense variant is expected to disrupt HNF1A protein function. In summary, the available evidence is currently insufficient to determine the role of this variant in disease. Therefore, it has been classified as a Variant of Uncertain Significance.